The following is an entry in ClinVar:

ClinVar aggregate classification (germline): Uncertain significance (1 of 4 stars; one submission).

Conditions:
Congenital disorder of glycosylation, type Ii. Also called: CDG Ii; ALG2-CDG; ALG2-congenital disorder of glycosylation. Identifiers: Orphanet 79326, MedGen C1842836, MONDO:0011933, OMIM 607906.
Congenital myasthenic syndrome 14. Also called: Myasthenic syndrome, congenital, 14, with tubular aggregates. Identifiers: Orphanet 353327, Orphanet 590, MedGen C4015597, MONDO:0014543, OMIM 616228.

gnomAD v4.1: 4 of 1,598,242 alleles (0.00025%); highest among the groups gnomAD compares: Non-Finnish European, 0.00034%; no homozygotes.

Submission:

Labcorp Genetics (formerly Invitae), Labcorp
Classification: Uncertain significance for Congenital disorder of glycosylation, type Ii; Congenital myasthenic syndrome 14. Last evaluated: 2022-06-28. Review status: criteria provided, single submitter. Criteria: Invitae Variant Classification Sherloc (09022015). Collection method: clinical testing. Allele origin: germline.
Comment: In summary, the available evidence is currently insufficient to determine the role of this variant in disease. Therefore, it has been classified as a Variant of Uncertain Significance. Algorithms developed to predict the effect of missense changes on protein structure and function are either unavailable or do not agree on the potential impact of this missense change (SIFT: "Deleterious"; PolyPhen-2: "Probably Damaging"; Align-GVGD: "Class C0"). This variant has not been reported in the literature in individuals affected with ALG2-related conditions. This variant is not present in population databases (gnomAD no frequency). This sequence change replaces valine, which is neutral and non-polar, with leucine, which is neutral and non-polar, at codon 33 of the ALG2 protein (p.Val33Leu).

NM_033087.4(ALG2):c.97G>T (p.Val33Leu)

Gene: ALG2 (ALG2 alpha-1,3/1,6-mannosyltransferase; minus strand). Cytogenetic location: 9q22.33.
Variant type: single nucleotide variant.
Coding change: c.97G>T on transcript NM_033087.4 (MANE Select); coding-DNA position 97, G replaced by T.
Protein change: p.Val33Leu; replaces valine 33 with leucine.
Molecular consequence: missense variant. On other transcripts: non-coding transcript variant (1).
Genome position (GRCh38, 1-based): chr9:99,221,798, C>A on the plus strand (G>T on the coding strand, the complement: ALG2 is on the minus strand). VCF-style: chr9-99221798-C-A. GRCh37 (hg19) VCF-style: chr9-101984080-C-A.
Other names: short protein forms V33L.
Identifiers: ClinVar variation 1999822 (VCV001999822.4), dbSNP rs774607653, ClinGen allele CA374232512.